The following is an entry in ClinVar:

ClinVar aggregate classification (germline): Uncertain significance (0 of 4 stars; one submission).

Conditions:
CACNA1E-related disorder. Also called: CACNA1E-related condition.

gnomAD v4.1: 2 of 1,611,342 alleles (0.00012%); highest among the groups gnomAD compares: Admixed American, 0.0017%; no homozygotes.

Submission:

PreventionGenetics, part of Exact Sciences
Classification: Uncertain significance for CACNA1E-related condition. Last evaluated: 2024-07-18. Review status: no assertion criteria provided. Collection method: clinical testing. Allele origin: germline.
Comment: The CACNA1E c.3422+1G>A variant is predicted to disrupt the GT donor site and interfere with normal splicing. However, the use of computer prediction programs is not equivalent to functional evidence. This variant has been reported de novo in an individual with severe intellectual disability, developmental regression, and social cognition deficit (Patient 7, Royer-Bertrand et al. 2021. PubMed ID: 34702355). This variant has not been reported in a large population database, indicating this variant is rare. Loss-of-function is not an established mechanism of CACNA1E-related disease. Although we suspect that this variant may be pathogenic, at this time, the clinical significance of this variant is uncertain due to the absence of conclusive functional and genetic evidence.

NM_001205293.3(CACNA1E):c.3422+1G>A

Gene: CACNA1E (calcium voltage-gated channel subunit alpha1 E; plus strand). Cytogenetic location: 1q25.3.
Variant type: single nucleotide variant.
Coding change: c.3422+1G>A on transcript NM_001205293.3 (MANE Select); the canonical splice donor site of the intron after coding-DNA position 3422, G replaced by A.
Molecular consequence: splice donor variant.
Genome position (GRCh38, 1-based): chr1:181,736,435, G>A. VCF-style: chr1-181736435-G-A. GRCh37 (hg19) VCF-style: chr1-181705571-G-A.
Other names: c.3422+1G>A (NM_000721.4); c.3365+1G>A (NM_001205294.2).
Identifiers: ClinVar variation 3347503 (VCV003347503.1).
Genomic context (GRCh38, chr1:181,736,435, plus strand): 5'-TGAGACAGGCAAAGCCATGGTGCCCCACAGCTCAATGTTCATCTTCAGCACCACCAACCC[G>A]TAAGCCACCCTCGCGTTGCTCCCTCTTTAGTGCTAGGGTAAACGGCCAGGTGTGAGGCAG-3'